The following is an entry in ClinVar:

NM_006231.4(POLE):c.4150-3C>T

Gene: POLE (DNA polymerase epsilon, catalytic subunit; minus strand). Cytogenetic location: 12q24.33.
Variant type: single nucleotide variant.
Coding change: c.4150-3C>T on transcript NM_006231.4 (MANE Select); 3 bases into the intron before coding-DNA position 4150, C replaced by T.
Molecular consequence: intron variant.
Genome position (GRCh38, 1-based): chr12:132,643,980, G>A on the plus strand (C>T on the coding strand, the complement: POLE is on the minus strand). VCF-style: chr12-132643980-G-A. GRCh37 (hg19) VCF-style: chr12-133220566-G-A.
Other names: c.4150-3C>T (NM_006231.2).
Identifiers: ClinVar variation 864350 (VCV000864350.11), dbSNP rs2042218036, ClinGen allele CA916082367.
Genomic context (GRCh38, chr12:132,643,980, plus strand): 5'-GCACTGAATACTCATAGAGATTGTAGACCATGTTGGAGCGAGGAAGGACCCGATTTACCT[G>A]GCGAGAATACGACGATGATCTCGTCACTGGGCGTAAGTGGTAATGTCTGTGGTACACACA-3'

ClinVar aggregate classification (germline): Uncertain significance. Review status: criteria provided, multiple submitters, no conflicts (2 of 4 stars). 3 submissions from 3 submitters: Uncertain significance (3). Last evaluated 2026-02-03.

Conditions:
Hereditary cancer-predisposing syndrome. Also called: Hereditary Cancer Syndrome; Tumor predisposition; Neoplastic Syndromes, Hereditary; Hereditary neoplastic syndrome. Identifiers: Orphanet 140162, MedGen C0027672, MeSH D009386, MONDO:0015356.

Allele frequency attached by ClinVar (database versions not stated): TOPMed below 0.00001.

Submissions (3):

Labcorp Genetics (formerly Invitae), Labcorp
Classification: Uncertain significance. Last evaluated: 2026-02-03. Review status: criteria provided, single submitter. Criteria: Invitae Variant Classification Sherloc (09022015). Collection method: clinical testing. Allele origin: germline.
Comment: This sequence change falls in intron 32 of the POLE gene. It does not directly change the encoded amino acid sequence of the POLE protein. It affects a nucleotide within the consensus splice site. This variant is not present in population databases (gnomAD no frequency). This variant has not been reported in the literature in individuals affected with POLE-related conditions. ClinVar contains an entry for this variant (Variation ID: 864350). Variants that disrupt the consensus splice site are a relatively common cause of aberrant splicing (PMID: 17576681, 9536098). Algorithms developed to predict the effect of sequence changes on RNA splicing suggest that this variant is not likely to affect RNA splicing. In summary, the available evidence is currently insufficient to determine the role of this variant in disease. Therefore, it has been classified as a Variant of Uncertain Significance.

Ambry Genetics
Classification: Uncertain significance for Hereditary cancer-predisposing syndrome. Last evaluated: 2025-08-05. Review status: criteria provided, single submitter. Criteria: Ambry Variant Classification Scheme 2023. Collection method: clinical testing. Allele origin: germline.
Comment: The c.4150-3C>T intronic variant results from a C to T substitution 3 nucleotides upstream from coding exon 33 in the POLE gene. This nucleotide position is highly conserved in available vertebrate species. In silico splice site analysis predicts that this alteration will not have any significant effect on splicing. Based on the available evidence, the clinical significance of this variant remains unclear.

GeneDx
Classification: Uncertain significance. Last evaluated: 2025-04-29. Review status: criteria provided, single submitter. Criteria: GeneDx Variant Classification Process June 2021. Collection method: clinical testing. Allele origin: germline. Affected: yes.
Comment: Not observed at significant frequency in large population cohorts (gnomAD); In silico analysis indicates that this variant does not alter splicing; Has not been previously published as pathogenic or benign to our knowledge

Literature cited by the submitters: PubMed 17576681 (cited by Labcorp Genetics (formerly Invitae), Labcorp); PubMed 9536098 (cited by Labcorp Genetics (formerly Invitae), Labcorp).